The following is an entry in ClinVar:

NM_000186.4(CFH):c.3649A>G (p.Thr1217Ala)

Gene: CFH (complement factor H; plus strand). Cytogenetic location: 1q31.3.
Variant type: single nucleotide variant.
Coding change: c.3649A>G on transcript NM_000186.4 (MANE Select); coding-DNA position 3649, A replaced by G.
Protein change: p.Thr1217Ala; replaces threonine 1217 with alanine.
Molecular consequence: missense variant.
Genome position (GRCh38, 1-based): chr1:196,747,266, A>G. VCF-style: chr1-196747266-A-G. GRCh37 (hg19) VCF-style: chr1-196716396-A-G.
Other names: short protein forms T1217A.
Identifiers: ClinVar variation 4291637 (VCV004291637.1).
Genomic context (GRCh38, chr1:196,747,266, plus strand): 5'-GTTGAATTTGTGTGTAAACGGGGATATCGTCTTTCATCACGTTCTCACACATTGCGAACA[A>G]CATGTTGGGATGGGAAACTGGAGTATCCAACTTGTGCAAAAAGATAGAATCAATCATAAA-3'
Protein context (NP_000177.2, residues 1207-1227): LSSRSHTLRT[Thr1217Ala]CWDGKLEYPT

ClinVar aggregate classification (germline): Uncertain significance (1 of 4 stars; one submission).

Conditions:
Atypical hemolytic-uremic syndrome. Identifiers: Orphanet 2134, MedGen C2931788, MONDO:0016244.
Basal laminar drusen. Also called: DRUSEN OF BRUCH MEMBRANE; DRUSEN, CUTICULAR; DRUSEN, EARLY ADULT-ONSET, GROUPED. Identifiers: Orphanet 75376, MedGen C0730295, MONDO:0007472, OMIM 126700.
Factor H deficiency (CFHD). Also called: COMPLEMENT FACTOR H DEFICIENCY; CFH DEFICIENCY. Identifiers: Orphanet 200421, MedGen C0398777, MONDO:0012350, OMIM 609814.
Age related macular degeneration 4. Identifiers: MedGen C1853147, MONDO:0012540, OMIM 610698.

gnomAD v4.1: 1 of 1,614,088 alleles (0.000062%); highest among the groups gnomAD compares: Non-Finnish European, 0.000085%; no homozygotes.

Submission:

Genomenon, Inc
Classification: Uncertain significance for Basal laminar drusen; Age related macular degeneration 4; Atypical hemolytic-uremic syndrome; Factor H deficiency. Last evaluated: 2025-10-02. Review status: criteria provided, single submitter. Criteria: Genomenon Sequence Variant Interpretation Standards - Updated. Collection method: curation. Allele origin: germline. Affected: no.
Comment: CFH p.Thr1217Ala (c.3649A>G) is a missense variant that changes the amino acid at residue 1217 from Threonine to Alanine. This variant has been reported in the published literature (PMID:21531728). It is absent or not present at a significant frequency in gnomAD. In silico models agree that this variant is not damaging. In conclusion, we classify CFH p.Thr1217Ala (c.3649A>G) as a variant of uncertain significance.

Literature cited by the submitters: PubMed 21531728.